The following is an entry in ClinVar:

ClinVar aggregate classification (germline): Uncertain significance. Review status: criteria provided, multiple submitters, no conflicts (2 of 4 stars). 3 submissions from 3 submitters: Uncertain significance (3). Last evaluated 2025-12-01.

Conditions:
Polyneuropathy. Identifiers: MedGen C0152025, MONDO:0001824, HP:0001271.
Hereditary spastic paraplegia 31. Also called: SPASTIC PARAPLEGIA 31, AUTOSOMAL DOMINANT. Identifiers: Orphanet 101011, MedGen C1853247, MONDO:0012453, OMIM 610250.

Allele frequency attached by ClinVar (database versions not stated): gnomAD exomes below 0.00001 and 0.00001.
gnomAD v4.1: 15 of 1,613,790 alleles (0.00093%); highest among the groups gnomAD compares: Non-Finnish European, 0.0012%; no homozygotes.

Submissions (3):

Labcorp Genetics (formerly Invitae), Labcorp
Classification: Uncertain significance for Hereditary spastic paraplegia 31. Last evaluated: 2025-12-01. Review status: criteria provided, single submitter. Criteria: Invitae Variant Classification Sherloc (09022015). Collection method: clinical testing. Allele origin: germline.
Comment: This sequence change replaces alanine, which is neutral and non-polar, with threonine, which is neutral and polar, at codon 201 of the REEP1 protein (p.Ala201Thr). This variant is present in population databases (no rsID available, gnomAD 0.0009%). This missense change has been observed in individual(s) with clinical features of autosomal dominant REEP1-related conditions (PMID: 32657593). ClinVar contains an entry for this variant (Variation ID: 694650). An algorithm developed to predict the effect of missense changes on protein structure and function (PolyPhen-2) suggests that this variant is likely to be disruptive. In summary, the available evidence is currently insufficient to determine the role of this variant in disease. Therefore, it has been classified as a Variant of Uncertain Significance.

Mayo Clinic Laboratories, Mayo Clinic
Classification: Uncertain significance. Last evaluated: 2019-10-14. Review status: criteria provided, single submitter. Criteria: ACMG Guidelines, 2015. Collection method: clinical testing. Allele origin: germline. Observed: 1 variant allele.

Kariminejad - Najmabadi Pathology & Genetics Center
Classification: Uncertain significance for Polyneuropathy. Last evaluated: 2018-09-11. Review status: criteria provided, single submitter. Criteria: ACMG Guidelines, 2015. Collection method: clinical testing. Allele origin: germline. Affected: yes.

Literature cited by the submitters: PubMed 32657593 (cited by Labcorp Genetics (formerly Invitae), Labcorp).

NM_001371279.1(REEP1):c.789G>A (p.Pro263=)

Gene: REEP1 (receptor accessory protein 1; minus strand). Cytogenetic location: 2p11.2.
Variant type: single nucleotide variant.
Coding change: c.789G>A on transcript NM_001371279.1 (MANE Select); coding-DNA position 789, G replaced by A.
Protein change: p.Pro263=; no amino-acid change (proline 263 retained).
Molecular consequence: synonymous variant. On other transcripts: missense variant (3).
Genome position (GRCh38, 1-based): chr2:86,217,105, C>T on the plus strand (G>A on the coding strand, the complement: REEP1 is on the minus strand). VCF-style: chr2-86217105-C-T. GRCh37 (hg19) VCF-style: chr2-86444228-C-T.
Other names: c.622G>A, p.Ala208Thr (NM_001164730.2); c.520G>A, p.Ala174Thr (NM_001164731.2); c.366G>A, p.Pro122= (NM_001164732.2); c.423G>A, p.Pro141= (NM_001371280.1); c.601G>A, p.Ala201Thr (NM_022912.3); short protein forms A174T, A201T, A208T.
Identifiers: ClinVar variation 694650 (VCV000694650.7), dbSNP rs1373170665, ClinGen allele CA347544404.
Genomic context (GRCh38, chr2:86,217,105, plus strand): 5'-GGTTTCGGTGGCCGAGGATGAGGTACTTTTCTTCCTGAAGCGAGATCGAAGGATTCTAGG[C>T]GGTGCCTGGTAGAGAAAACAGAAAGGTGTCCCTCAGTTTGGTGTAAATGTGGGATCTTTT-3'
Protein context (NP_001358208.1, residues 253-273): PRRMELPLEA[Pro263=]PRILRSRFRK